The following is an entry in ClinVar:

ClinVar aggregate classification (germline): Likely benign. Review status: criteria provided, multiple submitters, no conflicts (2 of 4 stars). 3 submissions from 3 submitters: Likely benign (3). Last evaluated 2026-02-01.

Allele frequency attached by ClinVar (database versions not stated): 1000 Genomes Project 30x 0.00078; 1000 Genomes Project 0.00080; gnomAD 0.00104 and 0.00112; TOPMed 0.00106; gnomAD exomes 0.00111 and 0.00167; ExAC 0.00119; ESP Exome Variant Server 0.00154.
gnomAD v4.1: 2,596 of 1,612,312 alleles (0.16%); highest among the groups gnomAD compares: Non-Finnish European, 0.19%; 7 homozygotes.

Submissions (3):

Labcorp Genetics (formerly Invitae), Labcorp
Classification: Likely benign. Last evaluated: 2026-02-01. Review status: criteria provided, single submitter. Criteria: Invitae Variant Classification Sherloc (09022015). Collection method: clinical testing. Allele origin: germline.

Blueprint Genetics
Classification: Likely benign. Last evaluated: 2024-11-20. Review status: criteria provided, single submitter. Criteria: ACMG Guidelines, 2015. Collection method: clinical testing. Allele origin: germline.

CeGaT Center for Human Genetics Tuebingen
Classification: Likely benign. Last evaluated: 2024-09-01. Review status: criteria provided, single submitter. Criteria: CeGaT Center For Human Genetics Tuebingen Variant Classification Criteria Version 2. Collection method: clinical testing. Allele origin: germline. Affected: yes. Observed: 1 variant allele.
Comment: MYO18B: BP4, BP7

NM_032608.7(MYO18B):c.4566C>T (p.Phe1522=)

Genes: MYO18B-AS1 (MYO18B antisense RNA 1; minus strand), MYO18B (myosin XVIIIB; plus strand). Cytogenetic location: 22q12.1.
Variant type: single nucleotide variant.
Coding change: c.4566C>T on transcript NM_032608.7 (MANE Select); coding-DNA position 4566, C replaced by T.
Protein change: p.Phe1522=; no amino-acid change (phenylalanine 1522 retained).
Molecular consequence: synonymous variant.
Genome position (GRCh38, 1-based): chr22:25,895,178, C>T. VCF-style: chr22-25895178-C-T. GRCh37 (hg19) VCF-style: chr22-26291145-C-T.
Other names: c.4569C>T, p.Phe1523= (NM_001318245.2).
Identifiers: ClinVar variation 708630 (VCV000708630.25), dbSNP rs118112071, ClinGen allele CA10160921.